The following is an entry in ClinVar:

ClinVar aggregate classification (germline): Uncertain significance (1 of 4 stars; one submission).

Conditions:
Neurofibromatosis, type 1 (NF1). Also called: Neurofibromatosis, type I; VON RECKLINGHAUSEN DISEASE; NEUROFIBROMATOSIS, TYPE I, SOMATIC; Peripheral type neurofibromatosis. Identifiers: Orphanet 636, MedGen C0027831, MONDO:0018975, OMIM 162200. Disease mechanism: loss of function.

Submission:

Labcorp Genetics (formerly Invitae), Labcorp
Classification: Uncertain significance for Neurofibromatosis, type 1. Last evaluated: 2022-04-03. Review status: criteria provided, single submitter. Criteria: Invitae Variant Classification Sherloc (09022015). Collection method: clinical testing. Allele origin: germline.
Comment: This variant results in a copy number gain of the genomic region encompassing exon(s) 1-35 of the NF1 gene. This region includes the initiator codon of the gene. This copy number gain extends beyond the assayed region for this gene and therefore may encompass additional genes. As the precise location of this event is unknown, it may be in tandem or it may be located elsewhere in the genome. This variant has not been reported in the literature in individuals affected with NF1-related conditions. Experimental studies and prediction algorithms are not available or were not evaluated, and the functional significance of this variant is currently unknown. In summary, the available evidence is currently insufficient to determine the role of this variant in disease. Therefore, it has been classified as a Variant of Uncertain Significance.

NC_000017.10:g.(?_29422048)_(29592367_?)dup

Gene: NF1 (neurofibromin 1; plus strand). Cytogenetic location: 17q11.2.
Variant type: Duplication.
Identifiers: ClinVar variation 1480711 (VCV001480711.4).